The following is an entry in ClinVar:

ClinVar aggregate classification (germline): Uncertain significance (1 of 4 stars; one submission).

Conditions:
EIF4A2-related Neurodevelopmental Syndrome.

Submission:

New York Genome Center
Classification: Uncertain significance for EIF4A2-related Neurodevelopmental Syndrome. Last evaluated: 2023-08-01. Review status: criteria provided, single submitter. Criteria: NYGC Assertion Criteria 2020. Collection method: clinical testing. Allele origin: germline. Observed: 1 heterozygote.
Comment: The c.1004G>A variant in EIF4A2 has not previously been reported in the literature or public variant repositories (ClinVar and LOVD), and is absent from population databases (gnomAD v2.1.1 and v3.1.2, TOPMed Freeze 8, All of Us), suggesting it is not a common benign variant in the populations represented in those databases. The c.1004G>A variant in EIF4A2 is located in exon 10 of this 11-exon gene, and is predicted to replace an evolutionarily conserved arginine amino acid with histidine at position 335 (p.(Arg335His)) in the helicase C-terminal domain of the encoded protein. In silico predictions are in favor of damaging effect for the p.(Arg335His) variant [CADD v1.6 = 32, REVEL = 0.866]; however, there are no functional studies to support or refute these predictions. Other missense variants have also been reported in the helicase C-terminal domain [PMID: 36528028]. Based on available evidence this heterozygous c.1004G>A p.(Arg335His) variant identified in EIF4A2 is classified as a Variant of Uncertain Significance.

NM_001967.4(EIF4A2):c.1004G>A (p.Arg335His)

Gene: EIF4A2 (eukaryotic translation initiation factor 4A2; plus strand). Cytogenetic location: 3q27.3.
Variant type: single nucleotide variant.
Coding change: c.1004G>A on transcript NM_001967.4 (MANE Select); coding-DNA position 1004, G replaced by A.
Protein change: p.Arg335His; replaces arginine 335 with histidine.
Molecular consequence: missense variant.
Genome position (GRCh38, 1-based): chr3:186,787,807, G>A. VCF-style: chr3-186787807-G-A. GRCh37 (hg19) VCF-style: chr3-186505596-G-A.
Other names: short protein forms R335H.
Identifiers: ClinVar variation 2665048 (VCV002665048.1), dbSNP rs2473976506, ClinGen allele CA355726316.
Genomic context (GRCh38, chr3:186,787,807, plus strand): 5'-ATGACAGGTGTCAAGTTTTTTTGAATCAATTTTTAAAACATGCCATTGTGTTTCAGGCTC[G>A]CGGGATTGATGTGCAACAAGTGTCTTTGGTTATAAATTATGATCTACCTACCAATCGTGA-3'
Protein context (NP_001958.2, residues 325-345): RVLITTDLLA[Arg335His]GIDVQQVSLV